The following is an entry in ClinVar:

NM_004373.4(COX6A1):c.47C>T (p.Ser16Phe)

Gene: COX6A1 (cytochrome c oxidase subunit 6A1; plus strand). Cytogenetic location: 12q24.31.
Variant type: single nucleotide variant.
Coding change: c.47C>T on transcript NM_004373.4 (MANE Select); coding-DNA position 47, C replaced by T.
Protein change: p.Ser16Phe; replaces serine 16 with phenylalanine.
Molecular consequence: missense variant.
Genome position (GRCh38, 1-based): chr12:120,438,173, C>T. VCF-style: chr12-120438173-C-T. GRCh37 (hg19) VCF-style: chr12-120875976-C-T.
Other names: short protein forms S16F.
Identifiers: ClinVar variation 1464657 (VCV001464657.5), dbSNP rs373513642, ClinGen allele CA244445181.

ClinVar aggregate classification (germline): Uncertain significance (1 of 4 stars; one submission).

Allele frequency attached by ClinVar (database versions not stated): gnomAD exomes below 0.00001; gnomAD 0.00003 and 0.00004; TOPMed 0.00004; ESP Exome Variant Server 0.00008.
gnomAD v4.1: 9 of 1,613,744 alleles (0.00056%); highest among the groups gnomAD compares: African/African-American, 0.011%; no homozygotes.

Submission:

Labcorp Genetics (formerly Invitae), Labcorp
Classification: Uncertain significance. Last evaluated: 2021-09-24. Review status: criteria provided, single submitter. Criteria: Invitae Variant Classification Sherloc (09022015). Collection method: clinical testing. Allele origin: germline.
Comment: This sequence change replaces serine with phenylalanine at codon 16 of the COX6A1 protein (p.Ser16Phe). The serine residue is weakly conserved and there is a large physicochemical difference between serine and phenylalanine. This variant is not present in population databases (ExAC no frequency). This variant has not been reported in the literature in individuals with COX6A1-related conditions. Algorithms developed to predict the effect of missense changes on protein structure and function output the following: SIFT: "Deleterious"; PolyPhen-2: "Not Available"; Align-GVGD: "Class C15". The phenylalanine amino acid residue is found in multiple mammalian species, suggesting that this missense change does not adversely affect protein function. These predictions have not been confirmed by published functional studies and their clinical significance is uncertain. In summary, the available evidence is currently insufficient to determine the role of this variant in disease. Therefore, it has been classified as a Variant of Uncertain Significance.